The following is an entry in ClinVar:

ClinVar aggregate classification (germline): Conflicting classifications of pathogenicity. Review status: criteria provided, conflicting classifications (1 of 4 stars). 6 submissions from 5 submitters: Uncertain significance (5); Likely benign (1). Last evaluated 2025-05-13.

Conditions:
Inborn genetic diseases. Identifiers: MedGen C0950123, MeSH D030342.
Familial cutaneous telangiectasia and oropharyngeal predisposition cancer syndrome. Identifiers: Orphanet 313846, MedGen C3281203, MONDO:0013806, OMIM 614564.
Seckel syndrome 1 (SCKL1). Also called: MICROCEPHALIC PRIMORDIAL DWARFISM I. Identifiers: Orphanet 808, MedGen C4551474, MONDO:0008869, OMIM 210600.

Allele frequency attached by ClinVar (database versions not stated): gnomAD exomes 0.00001 and 0.00003; ExAC 0.00003; gnomAD 0.00011 and 0.00012; TOPMed 0.00012; ESP Exome Variant Server 0.00023.
gnomAD v4.1: 36 of 1,610,332 alleles (0.0022%); highest among the groups gnomAD compares: African/African-American, 0.033%; no homozygotes.

Submissions (6):

Labcorp Genetics (formerly Invitae), Labcorp
Classification: Uncertain significance. Last evaluated: 2025-05-13. Review status: criteria provided, single submitter. Criteria: Invitae Variant Classification Sherloc (09022015). Collection method: clinical testing. Allele origin: germline.
Comment: This sequence change replaces threonine, which is neutral and polar, with lysine, which is basic and polar, at codon 146 of the ATR protein (p.Thr146Lys). This variant is present in population databases (rs368592452, gnomAD 0.04%). This variant has not been reported in the literature in individuals affected with ATR-related conditions. ClinVar contains an entry for this variant (Variation ID: 546281). An algorithm developed to predict the effect of missense changes on protein structure and function (PolyPhen-2) suggests that this variant is likely to be tolerated. In summary, the available evidence is currently insufficient to determine the role of this variant in disease. Therefore, it has been classified as a Variant of Uncertain Significance.

Ambry Genetics
Classification: Likely benign for Inborn genetic diseases. Last evaluated: 2025-02-07. Review status: criteria provided, single submitter. Criteria: Ambry Variant Classification Scheme 2023. Collection method: clinical testing. Allele origin: germline.

Fulgent Genetics
Classification: Uncertain significance for Seckel syndrome 1; Familial cutaneous telangiectasia and oropharyngeal predisposition cancer syndrome. Last evaluated: 2024-04-09. Review status: criteria provided, single submitter. Criteria: ACMG Guidelines, 2015. Collection method: clinical testing. Allele origin: germline.

Genome-Nilou Lab
Classification: Uncertain significance for Seckel syndrome 1. Last evaluated: 2023-02-08. Review status: criteria provided, single submitter. Criteria: ACMG Guidelines, 2015. Collection method: clinical testing. Allele origin: germline.

Genome-Nilou Lab
Classification: Uncertain significance for Familial cutaneous telangiectasia and oropharyngeal predisposition cancer syndrome. Last evaluated: 2023-02-08. Review status: criteria provided, single submitter. Criteria: ACMG Guidelines, 2015. Collection method: clinical testing. Allele origin: germline.

GeneDx
Classification: Uncertain significance. Last evaluated: 2018-05-17. Review status: criteria provided, single submitter. Criteria: GeneDx Variant Classification (06012015). Collection method: clinical testing. Allele origin: germline. Affected: yes.
Comment: The T146K variant in the ATR gene has not been reported previously as a pathogenic variant, nor as a benign variant, to our knowledge. The T146K variant is observed in 9/23946 (0.038%) alleles from individuals of African background, in large population cohorts (Lek et al., 2016). The T146K variant is a semi-conservative amino acid substitution, which may impact secondary protein structure as these residues differ in some properties. In-silico analyses, including protein predictors and evolutionary conservation, support that this variant does not alter protein structure/function. We interpret T146K as a variant of uncertain significance.

NM_001184.4(ATR):c.437C>A (p.Thr146Lys)

Gene: ATR (ATR checkpoint kinase; minus strand). Cytogenetic location: 3q23.
Variant type: single nucleotide variant.
Coding change: c.437C>A on transcript NM_001184.4 (MANE Select); coding-DNA position 437, C replaced by A.
Protein change: p.Thr146Lys; replaces threonine 146 with lysine.
Molecular consequence: missense variant.
Genome position (GRCh38, 1-based): chr3:142,562,965, G>T on the plus strand (C>A on the coding strand, the complement: ATR is on the minus strand). VCF-style: chr3-142562965-G-T. GRCh37 (hg19) VCF-style: chr3-142281807-G-T.
Other names: c.437C>A, p.Thr146Lys (NM_001354579.2); short protein forms T146K.
Identifiers: ClinVar variation 546281 (VCV000546281.12), dbSNP rs368592452, ClinGen allele CA2650766.